The following is an entry in ClinVar:

ClinVar aggregate classification (germline): Uncertain significance. Review status: criteria provided, multiple submitters, no conflicts (2 of 4 stars). 2 submissions from 2 submitters: Uncertain significance (2). Last evaluated 2025-10-05.

Conditions:
Long QT syndrome (LQTS). Identifiers: MedGen C0023976, MeSH D008133, MONDO:0002442. Disease mechanism: loss of function. Inheritance: Various modes of inheritance.
Cardiovascular phenotype. Identifiers: MedGen CN230736.

Allele frequency attached by ClinVar (database versions not stated): TOPMed 0.00001; gnomAD 0.00002.
gnomAD v4.1: 71 of 1,372,170 alleles (0.0052%); highest among the groups gnomAD compares: Non-Finnish European, 0.0066%; no homozygotes.

Submissions (2):

Ambry Genetics
Classification: Uncertain significance for Cardiovascular phenotype. Last evaluated: 2025-10-05. Review status: criteria provided, single submitter. Criteria: Ambry Variant Classification Scheme 2023. Collection method: clinical testing. Allele origin: germline.
Comment: The p.P53A variant (also known as c.157C>G), located in coding exon 1 of the SNTA1 gene, results from a C to G substitution at nucleotide position 157. The proline at codon 53 is replaced by alanine, an amino acid with highly similar properties. This variant was not reported in population based cohorts in the following databases: Database of Single Nucleotide Polymorphisms (dbSNP), NHLBI Exome Sequencing Project (ESP), and 1000 Genomes Project. In the ESP, this variant was not observed in 678 samples (1356 alleles) with coverage at this position. This amino acid position is not well conserved in available vertebrate species, and alanine is the reference amino acid in other vertebrate species. In addition, this alteration is predicted to be tolerated by in silico analysis. Since supporting evidence is limited at this time, the clinical significance of this alteration remains unclear.

Labcorp Genetics (formerly Invitae), Labcorp
Classification: Uncertain significance for Long QT syndrome. Last evaluated: 2023-12-14. Review status: criteria provided, single submitter. Criteria: Invitae Variant Classification Sherloc (09022015). Collection method: clinical testing. Allele origin: germline.
Comment: This sequence change replaces proline, which is neutral and non-polar, with alanine, which is neutral and non-polar, at codon 53 of the SNTA1 protein (p.Pro53Ala). This variant is present in population databases (no rsID available, gnomAD 0.007%). This variant has not been reported in the literature in individuals affected with SNTA1-related conditions. ClinVar contains an entry for this variant (Variation ID: 1775647). An algorithm developed to predict the effect of missense changes on protein structure and function (PolyPhen-2) suggests that this variant is likely to be tolerated. In summary, the available evidence is currently insufficient to determine the role of this variant in disease. Therefore, it has been classified as a Variant of Uncertain Significance.

NM_003098.3(SNTA1):c.157C>G (p.Pro53Ala)

Gene: SNTA1 (syntrophin alpha 1; minus strand). Cytogenetic location: 20q11.21.
Variant type: single nucleotide variant.
Coding change: c.157C>G on transcript NM_003098.3 (MANE Select); coding-DNA position 157, C replaced by G.
Protein change: p.Pro53Ala; replaces proline 53 with alanine.
Molecular consequence: missense variant.
Genome position (GRCh38, 1-based): chr20:33,443,464, G>C on the plus strand (C>G on the coding strand, the complement: SNTA1 is on the minus strand). VCF-style: chr20-33443464-G-C. GRCh37 (hg19) VCF-style: chr20-32031270-G-C.
Other names: short protein forms P53A.
Identifiers: ClinVar variation 1775647 (VCV001775647.7), dbSNP rs1033217999, ClinGen allele CA313279077.